The following is an entry in ClinVar:

NM_000093.5(COL5A1):c.4066G>A (p.Ala1356Thr)

Gene: COL5A1 (collagen type V alpha 1 chain; plus strand). Cytogenetic location: 9q34.3.
Variant type: single nucleotide variant.
Coding change: c.4066G>A on transcript NM_000093.5 (MANE Select); coding-DNA position 4066, G replaced by A.
Protein change: p.Ala1356Thr; replaces alanine 1356 with threonine.
Molecular consequence: missense variant.
Genome position (GRCh38, 1-based): chr9:134,815,627, G>A. VCF-style: chr9-134815627-G-A. GRCh37 (hg19) VCF-style: chr9-137707473-G-A.
Other names: p.A1356T:GCG>ACG; p.Ala1356Thr; c.4066G>A, p.Ala1356Thr (NM_001278074.1); short protein forms A1356T.
Identifiers: ClinVar variation 212970 (VCV000212970.21), dbSNP rs147868179, ClinGen allele CA320101.
Genomic context (GRCh38, chr9:134,815,627, plus strand): 5'-TCCTTTCAGGGCCCAGTGGGTTTTCCTGGAGATCCTGGCCCCCCCGGAGAGCCTGGCCCC[G>A]CGGTAGGTGCTCAAGAGGGCAAAGCCACCGGATCCCCCACAGTGCTGGCCTGCCTCTGCC-3'
Protein context (NP_000084.3, residues 1346-1366): DPGPPGEPGP[Ala1356Thr]GQDGPPGDKG

ClinVar aggregate classification (germline): Likely benign. Review status: criteria provided, multiple submitters, no conflicts (2 of 4 stars). 5 submissions from 5 submitters: Likely benign (4). 1 of the submissions does not count toward it. Last evaluated 2026-02-02.

Conditions:
COL5A1-related disorder. Also called: COL5A1-related condition.
Ehlers-Danlos syndrome, classic type, 1 (EDSCL1). Also called: Ehlers-Danlos Syndrome, Classic Type, COL5A1-Related; EHLERS-DANLOS SYNDROME, GRAVIS TYPE; EHLERS-DANLOS SYNDROME, SEVERE CLASSIC TYPE; Ehlers-Danlos syndrome, type 1; EDS I. Identifiers: MedGen C0268335, MONDO:0019567, OMIM 130000.
Familial thoracic aortic aneurysm and aortic dissection (TAAD). Also called: Thoracic aortic aneurysms and dissections. Identifiers: Orphanet 91387, MedGen C4707243, MONDO:0019625.

Allele frequency attached by ClinVar (database versions not stated): gnomAD 0.00070 and 0.00066; 1000 Genomes Project 0.00100; ExAC 0.00036; ESP Exome Variant Server 0.00069; TOPMed 0.00075; 1000 Genomes Project 30x 0.00109.
gnomAD v4.1: 247 of 1,613,544 alleles (0.015%); highest among the groups gnomAD compares: African/African-American, 0.23%; no homozygotes.

Submissions (5):

Labcorp Genetics (formerly Invitae), Labcorp
Classification: Likely benign for Ehlers-Danlos syndrome, classic type, 1. Last evaluated: 2026-02-02. Review status: criteria provided, single submitter. Criteria: Invitae Variant Classification Sherloc (09022015). Collection method: clinical testing. Allele origin: germline.

Mayo Clinic Laboratories, Mayo Clinic
Classification: Likely benign. Last evaluated: 2024-10-18. Review status: criteria provided, single submitter. Criteria: ACMG Guidelines, 2015. Collection method: clinical testing. Allele origin: germline. Observed: 1 variant allele.

GeneDx
Classification: Likely benign. Last evaluated: 2019-12-27. Review status: criteria provided, single submitter. Criteria: GeneDx Variant Classification Process June 2021. Collection method: clinical testing. Allele origin: germline. Affected: yes.

Ambry Genetics
Classification: Likely benign for Familial thoracic aortic aneurysm and aortic dissection. Last evaluated: 2019-09-17. Review status: criteria provided, single submitter. Criteria: Ambry Variant Classification Scheme 2023. Collection method: clinical testing. Allele origin: germline.

PreventionGenetics, part of Exact Sciences
Classification: Likely benign for COL5A1-related condition. Last evaluated: 2019-06-13. Review status: no assertion criteria provided. Collection method: clinical testing. Allele origin: germline. Not counted in ClinVar's aggregate classification.
Comment: This variant is classified as likely benign based on ACMG/AMP sequence variant interpretation guidelines (Richards et al. 2015 PMID: 25741868, with internal and published modifications).